The following is an entry in ClinVar:

NM_017654.4(SAMD9):c.3643C>T (p.Pro1215Ser)

Gene: SAMD9 (sterile alpha motif domain containing 9; minus strand). Cytogenetic location: 7q21.2.
Variant type: single nucleotide variant.
Coding change: c.3643C>T on transcript NM_017654.4 (MANE Select); coding-DNA position 3643, C replaced by T.
Protein change: p.Pro1215Ser; replaces proline 1215 with serine.
Molecular consequence: missense variant.
Genome position (GRCh38, 1-based): chr7:93,102,455, G>A on the plus strand (C>T on the coding strand, the complement: SAMD9 is on the minus strand). VCF-style: chr7-93102455-G-A. GRCh37 (hg19) VCF-style: chr7-92731768-G-A.
Other names: c.3643C>T, p.Pro1215Ser (NM_001193307.2); short protein forms P1215S.
Identifiers: ClinVar variation 1522614 (VCV001522614.8), dbSNP rs2116414320, ClinGen allele CA368183918.

ClinVar aggregate classification (germline): Uncertain significance (1 of 4 stars; one submission).

Submission:

Labcorp Genetics (formerly Invitae), Labcorp
Classification: Uncertain significance. Last evaluated: 2022-08-10. Review status: criteria provided, single submitter. Criteria: Invitae Variant Classification Sherloc (09022015). Collection method: clinical testing. Allele origin: germline.
Comment: In summary, the available evidence is currently insufficient to determine the role of this variant in disease. Therefore, it has been classified as a Variant of Uncertain Significance. Algorithms developed to predict the effect of missense changes on protein structure and function are either unavailable or do not agree on the potential impact of this missense change (SIFT: "Deleterious"; PolyPhen-2: "Possibly Damaging"; Align-GVGD: "Class C0"). ClinVar contains an entry for this variant (Variation ID: 1522614). This variant has not been reported in the literature in individuals affected with SAMD9-related conditions. This variant is not present in population databases (gnomAD no frequency). This sequence change replaces proline, which is neutral and non-polar, with serine, which is neutral and polar, at codon 1215 of the SAMD9 protein (p.Pro1215Ser).